The following is an entry in ClinVar:

ClinVar aggregate classification (germline): Likely benign (0 of 4 stars; one submission).

Conditions:
TBCK-related disorder. Also called: TBCK-related disorders; TBCK-related condition.

Allele frequency attached by ClinVar (database versions not stated): gnomAD exomes below 0.00001; TOPMed below 0.00001; gnomAD 0.00001.
gnomAD v4.1: 5 of 1,589,872 alleles (0.00031%); highest among the groups gnomAD compares: African/African-American, 0.003%; no homozygotes.

Submission:

PreventionGenetics, part of Exact Sciences
Classification: Likely benign for TBCK-related condition. Last evaluated: 2020-05-20. Review status: no assertion criteria provided. Collection method: clinical testing. Allele origin: germline.
Comment: This variant is classified as likely benign based on ACMG/AMP sequence variant interpretation guidelines (Richards et al. 2015 PMID: 25741868, with internal and published modifications).

NM_001163435.3(TBCK):c.266+10A>G

Gene: TBCK (TBC1 domain containing kinase; minus strand). Cytogenetic location: 4q24.
Variant type: single nucleotide variant.
Coding change: c.266+10A>G on transcript NM_001163435.3 (MANE Select); 10 bases into the intron after coding-DNA position 266, A replaced by G.
Molecular consequence: intron variant.
Genome position (GRCh38, 1-based): chr4:106,295,084, T>C on the plus strand (A>G on the coding strand, the complement: TBCK is on the minus strand). VCF-style: chr4-106295084-T-C. GRCh37 (hg19) VCF-style: chr4-107216241-T-C.
Other names: c.266+10A>G (NM_001163436.4, NM_033115.5, NM_001163437.3); c.-352+10A>G (NM_001290768.2).
Identifiers: ClinVar variation 3054428 (VCV003054428.2), dbSNP rs1427136006, ClinGen allele CA784917255.